The following is an entry in ClinVar:

NM_198253.3(TERT):c.1141del (p.Arg381fs)

Gene: TERT (telomerase reverse transcriptase; minus strand). Cytogenetic location: 5p15.33.
Variant type: Deletion.
Coding change: c.1141del on transcript NM_198253.3 (MANE Select); coding-DNA position 1141, one base deleted (C; older notation c.1141delC).
Protein change: p.Arg381fs; shifts the reading frame from arginine 381.
Molecular consequence: frameshift variant. On other transcripts: non-coding transcript variant (2).
Genome position (GRCh38, 1-based): chr5:1,293,745, G deleted on the plus strand (C on the coding strand, the reverse complement: TERT is on the minus strand); the first of 4 consecutive G bases (chr5:1,293,745-1,293,748); deleting any one gives the same sequence. VCF-style (leftmost placement, unchanged base first): chr5-1293744-CG-C. GRCh37 (hg19) VCF-style: chr5-1293859-CG-C.
Other names: c.1141del, p.Arg381fs (NM_001193376.3); c.1138delC, p.Arg381Alafs (NM_003219.1); short protein forms R381fs.
Identifiers: ClinVar variation 2940910 (VCV002940910.3), dbSNP rs2478414096, ClinGen allele CA2673080627.

ClinVar aggregate classification (germline): Pathogenic (1 of 4 stars; one submission).

Conditions:
Dyskeratosis congenita, autosomal dominant 2. Identifiers: MedGen C3151443, MONDO:0013521, OMIM 613989.
Idiopathic Pulmonary Fibrosis. Also called: Idiopathic fibrosing alveolitis, chronic form; idiopathic fibrosing alveolitis. Identifiers: Orphanet 2032, MedGen C1800706, MeSH D054990, MONDO:0800504.

Submission:

Labcorp Genetics (formerly Invitae), Labcorp
Classification: Pathogenic for Dyskeratosis congenita, autosomal dominant 2; Idiopathic Pulmonary Fibrosis. Last evaluated: 2022-10-19. Review status: criteria provided, single submitter. Criteria: Invitae Variant Classification Sherloc (09022015). Collection method: clinical testing. Allele origin: germline.
Comment: For these reasons, this variant has been classified as Pathogenic. This variant has not been reported in the literature in individuals affected with TERT-related conditions. This variant is not present in population databases (gnomAD no frequency). This sequence change creates a premature translational stop signal (p.Arg381Alafs*128) in the TERT gene. It is expected to result in an absent or disrupted protein product. Loss-of-function variants in TERT are known to be pathogenic (PMID: 16247010, 17460043).

Literature cited by the submitters: PubMed 16247010; PubMed 17460043.